The following is an entry in ClinVar:

NM_012096.3(APPL1):c.1842+6T>C

Gene: APPL1 (adaptor protein, phosphotyrosine interacting with PH domain and leucine zipper 1; plus strand). Cytogenetic location: 3p14.3.
Variant type: single nucleotide variant.
Coding change: c.1842+6T>C on transcript NM_012096.3 (MANE Select); 6 bases into the intron after coding-DNA position 1842, T replaced by C.
Molecular consequence: intron variant.
Genome position (GRCh38, 1-based): chr3:57,260,780, T>C. VCF-style: chr3-57260780-T-C. GRCh37 (hg19) VCF-style: chr3-57294808-T-C.
Identifiers: ClinVar variation 2029480 (VCV002029480.4), dbSNP rs2528810858, ClinGen allele CA2580070340.
Genomic context (GRCh38, chr3:57,260,780, plus strand): 5'-AAGTAATCTGTCATCAGTCTGCTATATATTTGAGTCAAACAATGAGGGGGAAAAGGTACA[T>C]GGCTTTTCAGAATATCTCTGTCATAACCACTTACTAATTGATTCTTACTAAGATTTAATA-3'

ClinVar aggregate classification (germline): Uncertain significance (1 of 4 stars; one submission).

Allele frequency attached by ClinVar (database versions not stated): gnomAD exomes below 0.00001.
gnomAD v4.1: 1 of 1,601,796 alleles (0.000062%); highest among the groups gnomAD compares: Non-Finnish European, 0.000085%; no homozygotes.

Submission:

Labcorp Genetics (formerly Invitae), Labcorp
Classification: Uncertain significance. Last evaluated: 2023-12-07. Review status: criteria provided, single submitter. Criteria: Invitae Variant Classification Sherloc (09022015). Collection method: clinical testing. Allele origin: germline.
Comment: This sequence change falls in intron 19 of the APPL1 gene. It does not directly change the encoded amino acid sequence of the APPL1 protein. It affects a nucleotide within the consensus splice site. This variant is not present in population databases (gnomAD no frequency). This variant has not been reported in the literature in individuals affected with APPL1-related conditions. ClinVar contains an entry for this variant (Variation ID: 2029480). Variants that disrupt the consensus splice site are a relatively common cause of aberrant splicing (PMID: 17576681, 9536098). Algorithms developed to predict the effect of sequence changes on RNA splicing suggest that this variant is not likely to affect RNA splicing. In summary, the available evidence is currently insufficient to determine the role of this variant in disease. Therefore, it has been classified as a Variant of Uncertain Significance.

Literature cited by the submitters: PubMed 17576681; PubMed 9536098.